The following is an entry in ClinVar:

NM_002473.6(MYH9):c.1089G>A (p.Ala363=)

Gene: MYH9 (myosin heavy chain 9; minus strand). Cytogenetic location: 22q12.3.
Variant type: single nucleotide variant.
Coding change: c.1089G>A on transcript NM_002473.6 (MANE Select); coding-DNA position 1089, G replaced by A.
Protein change: p.Ala363=; no amino-acid change (alanine 363 retained).
Molecular consequence: synonymous variant.
Genome position (GRCh38, 1-based): chr22:36,319,559, C>T on the plus strand (G>A on the coding strand, the complement: MYH9 is on the minus strand). VCF-style: chr22-36319559-C-T. GRCh37 (hg19) VCF-style: chr22-36715604-C-T.
Other names: p.Ala363=.
Identifiers: ClinVar variation 4684482 (VCV004684482.1).

ClinVar aggregate classification (germline): Likely benign (1 of 4 stars; one submission).

gnomAD v4.1: 14 of 1,614,162 alleles (0.00087%); highest among the groups gnomAD compares: South Asian, 0.0044%; no homozygotes.

Submission:

Mayo Clinic Laboratories, Mayo Clinic
Classification: Likely benign. Last evaluated: 2023-11-27. Review status: criteria provided, single submitter. Criteria: ACMG Guidelines, 2015. Collection method: clinical testing. Allele origin: germline. Observed: 2 variant alleles.
Comment: BP4, BP7